The following is an entry in ClinVar:

NM_007194.4(CHEK2):c.1008+1G>T

Gene: CHEK2 (checkpoint kinase 2; minus strand). Cytogenetic location: 22q12.1.
Variant type: single nucleotide variant.
Coding change: c.1008+1G>T on transcript NM_007194.4 (MANE Select); the canonical splice donor site of the intron after coding-DNA position 1008, G replaced by T.
Molecular consequence: splice donor variant.
Genome position (GRCh38, 1-based): chr22:28,699,837, C>A on the plus strand (G>T on the coding strand, the complement: CHEK2 is on the minus strand). VCF-style: chr22-28699837-C-A. GRCh37 (hg19) VCF-style: chr22-29095825-C-A.
Other names: c.345+1G>T (NM_001437942.1, NM_001257387.3); c.807+1G>T (NM_001349956.3); c.1008+1G>T (NM_145862.3); c.1101+1G>T (NM_001438295.1, NM_001438293.1); c.1137+1G>T (NM_001438294.1, NM_001005735.3).
Identifiers: ClinVar variation 460771 (VCV000460771.18), dbSNP rs1555915298, ClinGen allele CA411099231.
Genomic context (GRCh38, chr22:28,699,837, plus strand): 5'-TTCAGGGAGTAATTCAACTAAAAGAAAGGCAGCTGTCAAAAGAATTGAGGGCTTCTTTTA[C>A]CTGCACAGCCAAGAGCATCTGGTAAAAATAGAGCTTGCAGGTAGCTTCTTTCAGGCGTTT-3'

ClinVar aggregate classification (germline): Likely pathogenic. Review status: criteria provided, multiple submitters, no conflicts (2 of 4 stars). 3 submissions from 3 submitters: Likely pathogenic (3). Last evaluated 2025-08-21.

Conditions:
Familial cancer of breast. Also called: BREAST CANCER, FAMILIAL; hereditary breast carcinoma; Hereditary breast cancer. Identifiers: Orphanet 227535, MedGen C0346153, MONDO:0016419, OMIM 114480. Disease mechanism: loss of function.
Hereditary cancer-predisposing syndrome. Also called: Neoplastic Syndromes, Hereditary; Tumor predisposition; Hereditary Cancer Syndrome; Hereditary neoplastic syndrome. Identifiers: Orphanet 140162, MedGen C0027672, MeSH D009386, MONDO:0015356.

Submissions (3):

Ambry Genetics
Classification: Likely pathogenic for Hereditary cancer-predisposing syndrome. Last evaluated: 2025-08-21. Review status: criteria provided, single submitter. Criteria: Ambry Variant Classification Scheme 2023. Collection method: clinical testing. Allele origin: germline.
Comment: The c.1008+1G>T intronic variant results from a G to T substitution one nucleotide after coding exon 8 of the CHEK2 gene. This nucleotide position is highly conserved in available vertebrate species. In silico splice site analysis predicts that this alteration will weaken the native splice donor site; however direct evidence is insufficient (Ambry internal data).This variant is considered to be rare based on population cohorts in the Genome Aggregation Database (gnomAD). Alterations that disrupt the canonical splice site are expected to cause aberrant splicing, resulting in an abnormal protein or a transcript that is subject to nonsense-mediated mRNA decay. As such, this alteration is classified as likely pathogenic.

Labcorp Genetics (formerly Invitae), Labcorp
Classification: Likely pathogenic for Familial cancer of breast. Last evaluated: 2025-07-22. Review status: criteria provided, single submitter. Criteria: Invitae Variant Classification Sherloc (09022015). Collection method: clinical testing. Allele origin: germline.
Comment: This sequence change affects a donor splice site in intron 9 of the CHEK2 gene. It is expected to disrupt RNA splicing. Variants that disrupt the donor or acceptor splice site typically lead to a loss of protein function (PMID: 16199547), and loss-of-function variants in CHEK2 are known to be pathogenic (PMID: 21876083, 24713400). This variant is not present in population databases (gnomAD no frequency). This variant has not been reported in the literature in individuals affected with CHEK2-related conditions. ClinVar contains an entry for this variant (Variation ID: 460771). Studies have shown that disruption of this splice site is associated with inconclusive levels of altered splicing (internal data). In summary, the currently available evidence indicates that the variant is pathogenic, but additional data are needed to prove that conclusively. Therefore, this variant has been classified as Likely Pathogenic.

Myriad Genetics, Inc.
Classification: Likely pathogenic for Familial cancer of breast. Last evaluated: 2023-06-27. Review status: criteria provided, single submitter. Criteria: Myriad Autosomal Dominant, Autosomal Recessive and X-Linked Classification Criteria (2023). Collection method: clinical testing. Allele origin: unknown.
Comment: This variant is considered likely pathogenic. This variant occurs within a consensus splice junction and is predicted to result in abnormal mRNA splicing of either an out-of-frame exon or an in-frame exon necessary for protein stability and/or normal function.

Literature cited by the submitters: PubMed 16199547 (cited by Labcorp Genetics (formerly Invitae), Labcorp); PubMed 21876083 (cited by Labcorp Genetics (formerly Invitae), Labcorp); PubMed 24713400 (cited by Labcorp Genetics (formerly Invitae), Labcorp).